The following is an entry in ClinVar:

ClinVar aggregate classification (germline): Uncertain significance. Review status: criteria provided, multiple submitters, no conflicts (2 of 4 stars). 2 submissions from 2 submitters: Uncertain significance (2). Last evaluated 2025-04-16.

Conditions:
Hereditary cancer-predisposing syndrome. Also called: Tumor predisposition; Hereditary Cancer Syndrome; Neoplastic Syndromes, Hereditary; Hereditary neoplastic syndrome. Identifiers: Orphanet 140162, MedGen C0027672, MeSH D009386, MONDO:0015356.

Submissions (2):

GeneDx
Classification: Uncertain significance. Last evaluated: 2025-04-16. Review status: criteria provided, single submitter. Criteria: GeneDx Variant Classification Process June 2021. Collection method: clinical testing. Allele origin: germline. Affected: yes.
Comment: Not observed at significant frequency in large population cohorts (gnomAD); In silico analysis indicates that this missense variant does not alter protein structure/function; Has not been previously published as pathogenic or benign to our knowledge; This variant is associated with the following publications: (PMID: 25124163, 20951805)

Ambry Genetics
Classification: Uncertain significance for Hereditary cancer-predisposing syndrome. Last evaluated: 2019-02-28. Review status: criteria provided, single submitter. Criteria: Ambry Variant Classification Scheme 2023. Collection method: clinical testing. Allele origin: germline.
Comment: The p.A288T variant (also known as c.862G>A), located in coding exon 9 of the POLE gene, results from a G to A substitution at nucleotide position 862. The alanine at codon 288 is replaced by threonine, an amino acid with similar properties. In one study, this alteration was detected in 1/431 patients with microsatellite stable colorectal cancer who were tested for POLE mutations (Stenzinger A et al. Cancer Med, 2014 Dec;3:1527-38). This amino acid position is well conserved in available vertebrate species. In addition, this alteration is predicted to be tolerated by in silico analysis. Since supporting evidence is limited at this time, the clinical significance of this alteration remains unclear.

Literature cited by the submitters: PubMed 25124163 (cited by Ambry Genetics).

NM_006231.4(POLE):c.862G>A (p.Ala288Thr)

Gene: POLE (DNA polymerase epsilon, catalytic subunit; minus strand). Cytogenetic location: 12q24.33.
Variant type: single nucleotide variant.
Coding change: c.862G>A on transcript NM_006231.4 (MANE Select); coding-DNA position 862, G replaced by A.
Protein change: p.Ala288Thr; replaces alanine 288 with threonine.
Molecular consequence: missense variant.
Genome position (GRCh38, 1-based): chr12:132,676,593, C>T on the plus strand (G>A on the coding strand, the complement: POLE is on the minus strand). VCF-style: chr12-132676593-C-T. GRCh37 (hg19) VCF-style: chr12-133253179-C-T.
Other names: short protein forms A288T.
Identifiers: ClinVar variation 822611 (VCV000822611.5), dbSNP rs1593079445, ClinGen allele CA387364267.